The following is an entry in ClinVar:

NM_032043.3(BRIP1):c.1849T>A (p.Leu617Ile)

Gene: BRIP1 (BRCA1 interacting DNA helicase 1; minus strand). Cytogenetic location: 17q23.2.
Variant type: single nucleotide variant.
Coding change: c.1849T>A on transcript NM_032043.3 (MANE Select); coding-DNA position 1849, T replaced by A.
Protein change: p.Leu617Ile; replaces leucine 617 with isoleucine.
Molecular consequence: missense variant.
Genome position (GRCh38, 1-based): chr17:61,780,347, A>T on the plus strand (T>A on the coding strand, the complement: BRIP1 is on the minus strand). VCF-style: chr17-61780347-A-T. GRCh37 (hg19) VCF-style: chr17-59857708-A-T.
Other names: short protein forms L617I.
Identifiers: ClinVar variation 4842395 (VCV004842395.1).

ClinVar aggregate classification (germline): Uncertain significance (1 of 4 stars; one submission).

Conditions:
Hereditary cancer-predisposing syndrome. Also called: Neoplastic Syndromes, Hereditary; Tumor predisposition; Hereditary Cancer Syndrome; Hereditary neoplastic syndrome. Identifiers: Orphanet 140162, MedGen C0027672, MeSH D009386, MONDO:0015356.

Submission:

Ambry Genetics
Classification: Uncertain significance for Hereditary cancer-predisposing syndrome. Last evaluated: 2025-12-26. Review status: criteria provided, single submitter. Criteria: Ambry Variant Classification Scheme 2023. Collection method: clinical testing. Allele origin: germline.
Comment: The p.L617I variant (also known as c.1849T>A), located in coding exon 12 of the BRIP1 gene, results from a T to A substitution at nucleotide position 1849. The leucine at codon 617 is replaced by isoleucine, an amino acid with highly similar properties. This amino acid position is conserved. In addition, the in silico prediction for this alteration is inconclusive. Based on the available evidence, the clinical significance of this variant remains unclear.